The following is an entry in ClinVar:

ClinVar aggregate classification (germline): Uncertain significance (1 of 4 stars; one submission).

Conditions:
Hereditary cancer-predisposing syndrome. Also called: Neoplastic Syndromes, Hereditary; Tumor predisposition; Hereditary neoplastic syndrome; Hereditary Cancer Syndrome. Identifiers: Orphanet 140162, MedGen C0027672, MeSH D009386, MONDO:0015356.

Submission:

Ambry Genetics
Classification: Uncertain significance for Hereditary cancer-predisposing syndrome. Last evaluated: 2015-02-26. Review status: criteria provided, single submitter. Criteria: Ambry Variant Classification Scheme 2023. Collection method: clinical testing. Allele origin: germline.
Comment: The c.159-17T>A intronic alteration consists of a T to A substitution 17 nucleotides before coding exon 2 in the BARD1 gene. Based on insufficient or conflicting evidence, the clinical significance of this alteration remains unclear.

NM_000465.4(BARD1):c.159-17T>A

Gene: BARD1 (BRCA1 associated RING domain 1; minus strand). Cytogenetic location: 2q35.
Variant type: single nucleotide variant.
Coding change: c.159-17T>A on transcript NM_000465.4 (MANE Select); 17 bases into the intron before coding-DNA position 159, T replaced by A.
Molecular consequence: intron variant.
Genome position (GRCh38, 1-based): chr2:214,797,134, A>T on the plus strand (T>A on the coding strand, the complement: BARD1 is on the minus strand). VCF-style: chr2-214797134-A-T. GRCh37 (hg19) VCF-style: chr2-215661858-A-T.
Other names: c.158+12278T>A (NM_001282548.2); c.159-4689T>A (NM_001282543.2); c.159-17T>A (NM_001282545.2, NM_001282549.2).
Identifiers: ClinVar variation 3076199 (VCV003076199.1), dbSNP rs766937585, ClinGen allele CA2825001086.
Genomic context (GRCh38, chr2:214,797,134, plus strand): 5'-GCTCACATCCTCCTAAACACACAGGCTCTCTCAGAATGTTAGTACTGTTTGAAGAAATTA[A>T]AACAATCAAGATTTGAGTCATTGTTAGATAAACATCTCACACCCAATATTTCATCCAAGG-3'